The following is an entry in ClinVar:

NM_001379500.1(COL18A1):c.1931C>G (p.Pro644Arg)

Gene: COL18A1 (collagen type XVIII alpha 1 chain; plus strand). Cytogenetic location: 21q22.3.
Variant type: single nucleotide variant.
Coding change: c.1931C>G on transcript NM_001379500.1 (MANE Select); coding-DNA position 1931, C replaced by G.
Protein change: p.Pro644Arg; replaces proline 644 with arginine.
Molecular consequence: missense variant.
Genome position (GRCh38, 1-based): chr21:45,489,493, C>G. VCF-style: chr21-45489493-C-G. GRCh37 (hg19) VCF-style: chr21-46909407-C-G.
Other names: c.2471C>G, p.Pro824Arg (NM_030582.4); c.3176C>G, p.Pro1059Arg (NM_130444.3); short protein forms P644R, P824R, P1059R.
Identifiers: ClinVar variation 1374426 (VCV001374426.6), dbSNP rs759989824, ClinGen allele CA10066688.

ClinVar aggregate classification (germline): Uncertain significance (1 of 4 stars; one submission).

gnomAD v4.1: 1 of 1,602,716 alleles (0.000062%); highest among the groups gnomAD compares: Non-Finnish European, 0.000085%; no homozygotes.

Submission:

Labcorp Genetics (formerly Invitae), Labcorp
Classification: Uncertain significance. Last evaluated: 2021-11-12. Review status: criteria provided, single submitter. Criteria: Invitae Variant Classification Sherloc (09022015). Collection method: clinical testing. Allele origin: germline.
Comment: This variant is present in population databases (rs759989824, gnomAD 0.001%). This sequence change replaces proline, which is neutral and non-polar, with arginine, which is basic and polar, at codon 644 of the COL18A1 protein (p.Pro644Arg). In summary, the available evidence is currently insufficient to determine the role of this variant in disease. Therefore, it has been classified as a Variant of Uncertain Significance. Experimental studies and prediction algorithms are not available or were not evaluated, and the functional significance of this variant is currently unknown. This variant has not been reported in the literature in individuals affected with COL18A1-related conditions.